The following is an entry in ClinVar:

NM_005763.4(AASS):c.1288G>A (p.Asp430Asn)

Gene: AASS (aminoadipate-semialdehyde synthase; minus strand). Cytogenetic location: 7q31.32.
Variant type: single nucleotide variant.
Coding change: c.1288G>A on transcript NM_005763.4 (MANE Select); coding-DNA position 1288, G replaced by A.
Protein change: p.Asp430Asn; replaces aspartic acid 430 with asparagine.
Molecular consequence: missense variant.
Genome position (GRCh38, 1-based): chr7:122,101,671, C>T on the plus strand (G>A on the coding strand, the complement: AASS is on the minus strand). VCF-style: chr7-122101671-C-T. GRCh37 (hg19) VCF-style: chr7-121741725-C-T.
Other names: short protein forms D430N.
Identifiers: ClinVar variation 1935949 (VCV001935949.5), dbSNP rs1273190060, ClinGen allele CA369012126.

ClinVar aggregate classification (germline): Uncertain significance (1 of 4 stars; one submission).

Allele frequency attached by ClinVar (database versions not stated): gnomAD exomes 0.00001.
gnomAD v4.1: 4 of 1,610,820 alleles (0.00025%); highest among the groups gnomAD compares: Admixed American, 0.0067%; no homozygotes.

Submission:

Labcorp Genetics (formerly Invitae), Labcorp
Classification: Uncertain significance. Last evaluated: 2022-10-14. Review status: criteria provided, single submitter. Criteria: Invitae Variant Classification Sherloc (09022015). Collection method: clinical testing. Allele origin: germline.
Comment: In summary, the available evidence is currently insufficient to determine the role of this variant in disease. Therefore, it has been classified as a Variant of Uncertain Significance. Advanced modeling of protein sequence and biophysical properties (such as structural, functional, and spatial information, amino acid conservation, physicochemical variation, residue mobility, and thermodynamic stability) performed at Invitae indicates that this missense variant is not expected to disrupt AASS protein function. This variant has not been reported in the literature in individuals affected with AASS-related conditions. This variant is present in population databases (no rsID available, gnomAD 0.009%). This sequence change replaces aspartic acid, which is acidic and polar, with asparagine, which is neutral and polar, at codon 430 of the AASS protein (p.Asp430Asn).